The following is an entry in ClinVar:

ClinVar aggregate classification (germline): Uncertain significance (1 of 4 stars; one submission).

Submission:

GeneDx
Classification: Uncertain significance. Last evaluated: 2020-06-30. Review status: criteria provided, single submitter. Criteria: GeneDx Variant Classification Process June 2021. Collection method: clinical testing. Allele origin: germline. Affected: yes.
Comment: Not observed in large population cohorts (Lek et al., 2016); Missense variant in a gene in which most reported pathogenic variants are truncating/loss-of-function; Has not been previously published as pathogenic or benign to our knowledge

NM_001267550.2(TTN):c.62281G>T (p.Val20761Phe)

Genes: TTN (titin; minus strand), TTN-AS1 (TTN antisense RNA 1; plus strand). Cytogenetic location: 2q31.2.
Variant type: single nucleotide variant.
Coding change: c.62281G>T on transcript NM_001267550.2 (MANE Select); coding-DNA position 62281, G replaced by T.
Protein change: p.Val20761Phe; replaces valine 20761 with phenylalanine.
Molecular consequence: missense variant.
Genome position (GRCh38, 1-based): chr2:178,589,444, C>A on the plus strand (G>T on the coding strand, the complement: TTN is on the minus strand). VCF-style: chr2-178589444-C-A. GRCh37 (hg19) VCF-style: chr2-179454171-C-A.
Other names: c.57358G>T, p.Val19120Phe (NM_001256850.1); c.35086G>T, p.Val11696Phe (NM_003319.4); c.54577G>T, p.Val18193Phe (NM_133378.4); c.35461G>T, p.Val11821Phe (NM_133432.3); c.35662G>T, p.Val11888Phe (NM_133437.4); short protein forms V11696F, V11821F, V11888F, V18193F, V19120F, V20761F.
Identifiers: ClinVar variation 1312879 (VCV001312879.2), dbSNP rs2154183772, ClinGen allele CA349465308.